The following is an entry in ClinVar:

NM_001142800.2(EYS):c.9185A>G (p.Asn3062Ser)

Genes: EYS (EGF-like photoreceptor maintenance factor; minus strand), PHF3 (PHD finger protein 3; plus strand). Cytogenetic location: 6q12.
Variant type: single nucleotide variant.
Coding change: c.9185A>G on transcript NM_001142800.2 (MANE Select); coding-DNA position 9185, A replaced by G.
Protein change: p.Asn3062Ser; replaces asparagine 3062 with serine.
Molecular consequence: missense variant. On other transcripts: 3 prime UTR variant (5).
Genome position (GRCh38, 1-based): chr6:63,720,846, T>C on the plus strand (A>G on the coding strand, the complement: EYS is on the minus strand). VCF-style: chr6-63720846-T-C. GRCh37 (hg19) VCF-style: chr6-64430742-T-C.
Other names: c.*7138T>C (NM_001290259.2, NM_001370348.2, NM_001370349.2 and 2 more transcripts); c.9248A>G, p.Asn3083Ser (NM_001292009.2); short protein forms N3083S, N3062S.
Identifiers: ClinVar variation 969698 (VCV000969698.34), dbSNP rs553840761, ClinGen allele CA3876679.

ClinVar aggregate classification (germline): Conflicting classifications of pathogenicity. Review status: criteria provided, conflicting classifications (1 of 4 stars). 6 submissions from 6 submitters: Uncertain significance (2); Likely benign (3). 1 of the submissions does not count toward it. Last evaluated 2026-01-17.

Conditions:
Autosomal recessive retinitis pigmentosa. Identifiers: MedGen C0339526.
EYS-related disorder. Also called: EYS-related condition.
Inborn genetic diseases. Identifiers: MedGen C0950123, MeSH D030342.

Allele frequency attached by ClinVar (database versions not stated): TOPMed 0.00089; gnomAD 0.00095 and 0.00101; gnomAD exomes 0.00007 and 0.00015; ExAC 0.00027; 1000 Genomes Project 30x 0.00078; 1000 Genomes Project 0.00080.
gnomAD v4.1: 251 of 1,551,242 alleles (0.016%); highest among the groups gnomAD compares: African/African-American, 0.31%; 1 homozygote.

Submissions (6):

Labcorp Genetics (formerly Invitae), Labcorp
Classification: Likely benign. Last evaluated: 2026-01-17. Review status: criteria provided, single submitter. Criteria: Invitae Variant Classification Sherloc (09022015). Collection method: clinical testing. Allele origin: germline.

Ambry Genetics
Classification: Uncertain significance for Inborn genetic diseases. Last evaluated: 2024-12-31. Review status: criteria provided, single submitter. Criteria: Ambry Variant Classification Scheme 2023. Collection method: clinical testing. Allele origin: germline.

PreventionGenetics, part of Exact Sciences
Classification: Likely benign for EYS-related condition. Last evaluated: 2024-10-28. Review status: criteria provided, single submitter. Criteria: ACMG Guidelines, 2015. Collection method: clinical testing. Allele origin: germline.
Comment: This variant is classified as likely benign based on ACMG/AMP sequence variant interpretation guidelines (Richards et al. 2015 PMID: 25741868, with internal and published modifications).

Blueprint Genetics
Classification: Uncertain significance. Last evaluated: 2024-02-16. Review status: criteria provided, single submitter. Criteria: ACMG Guidelines, 2015. Collection method: clinical testing. Allele origin: germline.

CeGaT Center for Human Genetics Tuebingen
Classification: Likely benign. Last evaluated: 2022-12-01. Review status: criteria provided, single submitter. Criteria: CeGaT Center For Human Genetics Tuebingen Variant Classification Criteria Version 2. Collection method: clinical testing. Allele origin: germline. Affected: yes. Observed: 1 variant allele.
Comment: EYS: BP4

Natera, Inc.
Classification: Uncertain significance for Autosomal recessive retinitis pigmentosa. Last evaluated: 2020-07-25. Review status: no assertion criteria provided. Collection method: clinical testing. Allele origin: germline. Not counted in ClinVar's aggregate classification.